The following is an entry in ClinVar:

NM_198576.4(AGRN):c.5023G>A (p.Gly1675Ser)

Gene: AGRN (agrin; plus strand). Cytogenetic location: 1p36.33.
Variant type: single nucleotide variant.
Coding change: c.5023G>A on transcript NM_198576.4 (MANE Select); coding-DNA position 5023, G replaced by A.
Protein change: p.Gly1675Ser; replaces glycine 1675 with serine.
Molecular consequence: missense variant.
Genome position (GRCh38, 1-based): chr1:1,050,473, G>A. VCF-style: chr1-1050473-G-A. GRCh37 (hg19) VCF-style: chr1-985853-G-A.
Other names: p.G1675S; c.5023G>A, p.Gly1675Ser (NM_001305275.2); c.4708G>A, p.Gly1570Ser (NM_001364727.2); short protein forms G1675S, G1570S.
Identifiers: ClinVar variation 243039 (VCV000243039.14), dbSNP rs764160563, ClinGen allele CA509824.

ClinVar aggregate classification (germline): Pathogenic/Likely pathogenic. Review status: criteria provided, multiple submitters, no conflicts (2 of 4 stars). 5 submissions from 5 submitters: Pathogenic (2); Likely pathogenic (1). 2 of the submissions do not count toward it. Last evaluated 2026-01-29.

Conditions:
Congenital myasthenic syndrome 8. Also called: MYASTHENIC SYNDROME, CONGENITAL, DUE TO AGRIN DEFICIENCY; Myasthenic syndrome, congenital, 8, with pre- and postsynaptic defects. Identifiers: Orphanet 590, MedGen C3808739, MONDO:0014052, OMIM 615120.
Congenital myasthenic syndrome (CMS). Also called: Congenital Myasthenic Syndromes. Identifiers: Orphanet 590, MedGen C0751882, MeSH D020294, MONDO:0018940.

Allele frequency attached by ClinVar (database versions not stated): TOPMed below 0.00001; ExAC 0.00003; gnomAD exomes 0.00001 and 0.00002; gnomAD 0.00001.
gnomAD v4.1: 11 of 1,612,798 alleles (0.00068%); highest among the groups gnomAD compares: East Asian, 0.013%; no homozygotes.

Submissions (5):

3billion
Classification: Pathogenic for Congenital myasthenic syndrome 8. Last evaluated: 2026-01-29. Review status: criteria provided, single submitter. Criteria: ACMG Guidelines, 2015. Collection method: clinical testing. Allele origin: germline. Affected: yes.
Comment: The variant is observed at an extremely low frequency in the gnomAD v4.1.0 dataset (total allele frequency: <0.001%). Predicted Consequence/Location: Missense variant Functional studies provide moderate evidence of the variant having a damaging effect on the gene or gene product (PMID: 32271162). In silico tool predictions suggest damaging effect of the variant on gene or gene product [REVEL: 0.92 (>=0.6, sensitivity 0.68 and specificity 0.92)]. The same nucleotide change resulting in the same amino acid change has been previously reported as pathogenic/likely pathogenic with strong evidence (ClinVar ID: VCV000243039). The variant has been reported to be in trans (confirmed or potential) with an additional pathogenic variant or VUS in at least one similarly affected unrelated individual (PMID: 32271162). Therefore, this variant is classified as Pathogenic according to the recommendation of ACMG/AMP guideline.

Labcorp Genetics (formerly Invitae), Labcorp
Classification: Pathogenic for Congenital myasthenic syndrome 8. Last evaluated: 2025-05-16. Review status: criteria provided, single submitter. Criteria: Invitae Variant Classification Sherloc (09022015). Collection method: clinical testing. Allele origin: germline.
Comment: This sequence change replaces glycine, which is neutral and non-polar, with serine, which is neutral and polar, at codon 1675 of the AGRN protein (p.Gly1675Ser). This variant is present in population databases (rs764160563, gnomAD 0.02%). This missense change has been observed in individual(s) with clinical features of congenital myasthenic syndrome (PMID: 28221305, 32271162; internal data). In at least one individual the data is consistent with being in trans (on the opposite chromosome) from a pathogenic variant. ClinVar contains an entry for this variant (Variation ID: 243039). An algorithm developed to predict the effect of missense changes on protein structure and function (PolyPhen-2) suggests that this variant is likely to be disruptive. Experimental studies have shown that this missense change affects AGRN function (PMID: 32271162). For these reasons, this variant has been classified as Pathogenic.

Baylor Genetics
Classification: Likely pathogenic for Congenital myasthenic syndrome 8. Last evaluated: 2024-01-25. Review status: criteria provided, single submitter. Criteria: ACMG Guidelines, 2015. Collection method: clinical testing. Allele origin: unknown.

Undiagnosed Diseases Network, NIH
Classification: Pathogenic for Congenital myasthenic syndrome 8. Last evaluated: 2024-02-22. Review status: no assertion criteria provided. Collection method: clinical testing. Allele origin: unknown. Inheritance: Autosomal recessive inheritance. Affected: yes. Observed: 2 variant alleles, 2 compound heterozygotes. Clinical features observed: Muscle weakness (HP:0001324), Respiratory distress (HP:0002098), Facial palsy (HP:0010628). Study: Undiagnosed Diseases Network (NIH), UDN. Not counted in ClinVar's aggregate classification.

GeneReviews
No classification provided. Condition: Congenital myasthenic syndrome. Review status: no classification provided. Collection method: literature only. Allele origin: germline. Affected: yes. Not counted in ClinVar's aggregate classification.

Literature cited by the submitters: PubMed 32271162 (cited by 3billion and Labcorp Genetics (formerly Invitae), Labcorp); PubMed 28221305 (cited by Labcorp Genetics (formerly Invitae), Labcorp); NCBI Bookshelf NBK1168 (cited by GeneReviews).